The following is an entry in ClinVar:

ClinVar aggregate classification (germline): Likely benign (0 of 4 stars; one submission).

Conditions:
BRSK2-related disorder. Also called: BRSK2-related condition; BRSK2-Related Disorders.

gnomAD v4.1: 16 of 1,592,196 alleles (0.001%); highest among the groups gnomAD compares: Admixed American, 0.016%; no homozygotes.

Submission:

PreventionGenetics, part of Exact Sciences
Classification: Likely benign for BRSK2-related condition. Last evaluated: 2021-11-15. Review status: no assertion criteria provided. Collection method: clinical testing. Allele origin: germline.
Comment: This variant is classified as likely benign based on ACMG/AMP sequence variant interpretation guidelines (Richards et al. 2015 PMID: 25741868, with internal and published modifications).

NM_001256627.2(BRSK2):c.1314C>T (p.Gly438=)

Gene: BRSK2 (BR serine/threonine kinase 2; plus strand). Cytogenetic location: 11p15.5.
Variant type: single nucleotide variant.
Coding change: c.1314C>T on transcript NM_001256627.2 (MANE Select); coding-DNA position 1314, C replaced by T.
Protein change: p.Gly438=; no amino-acid change (glycine 438 retained).
Molecular consequence: synonymous variant. On other transcripts: non-coding transcript variant (1).
Genome position (GRCh38, 1-based): chr11:1,450,613, C>T. VCF-style: chr11-1450613-C-T. GRCh37 (hg19) VCF-style: chr11-1471843-C-T.
Other names: c.1314C>T, p.Gly438= (NM_001256629.2, NM_003957.4); c.1452C>T, p.Gly484= (NM_001256630.1); c.1134C>T, p.Gly378= (NM_001282218.2).
Identifiers: ClinVar variation 3054542 (VCV003054542.2), dbSNP rs374832566, ClinGen allele CA5811009.